The following is an entry in ClinVar:

ClinVar aggregate classification (germline): Uncertain significance (1 of 4 stars; one submission).

Conditions:
Hereditary cancer-predisposing syndrome. Also called: Hereditary Cancer Syndrome; Hereditary neoplastic syndrome; Neoplastic Syndromes, Hereditary; Tumor predisposition. Identifiers: Orphanet 140162, MedGen C0027672, MeSH D009386, MONDO:0015356.

Submission:

Ambry Genetics
Classification: Uncertain significance for Hereditary cancer-predisposing syndrome. Last evaluated: 2025-06-22. Review status: criteria provided, single submitter. Criteria: Ambry Variant Classification Scheme 2023. Collection method: clinical testing. Allele origin: germline.
Comment: The p.V1833M variant (also known as c.5497G>A), located in coding exon 24 of the DICER1 gene, results from a G to A substitution at nucleotide position 5497. The valine at codon 1833 is replaced by methionine, an amino acid with highly similar properties. This amino acid position is conserved. In addition, this alteration is predicted to be deleterious by in silico analysis. Based on the available evidence, the clinical significance of this variant remains unclear.

NM_177438.3(DICER1):c.5497G>A (p.Val1833Met)

Gene: DICER1 (dicer 1, ribonuclease III; minus strand). Cytogenetic location: 14q32.13.
Variant type: single nucleotide variant.
Coding change: c.5497G>A on transcript NM_177438.3 (MANE Select); coding-DNA position 5497, G replaced by A.
Protein change: p.Val1833Met; replaces valine 1833 with methionine.
Molecular consequence: missense variant. On other transcripts: non-coding transcript variant (6), intron variant (1).
Genome position (GRCh38, 1-based): chr14:95,091,233, C>T on the plus strand (G>A on the coding strand, the complement: DICER1 is on the minus strand). VCF-style: chr14-95091233-C-T. GRCh37 (hg19) VCF-style: chr14-95557570-C-T.
Other names: c.5497G>A, p.Val1833Met (NM_001271282.3, NM_001291628.2, NM_001395677.1 and 7 more transcripts); c.5215G>A, p.Val1739Met (NM_001395686.1); c.5092G>A, p.Val1698Met (NM_001395687.1, NM_001395688.1, NM_001395689.1 and 1 more transcripts); c.4930G>A, p.Val1644Met (NM_001395691.1); c.3814G>A, p.Val1272Met (NM_001395697.1); c.5365-124G>A (NM_001195573.1); short protein forms V1698M, V1739M, V1833M, V1644M, V1272M.
Identifiers: ClinVar variation 4240489 (VCV004240489.1).